The following is an entry in ClinVar:

ClinVar aggregate classification (germline): Uncertain significance (1 of 4 stars; one submission).

Conditions:
ALG12-congenital disorder of glycosylation (CDG1G). Also called: ALG12-CDG; CDG Ig; Congenital disorder of glycosylation, type Ig. Identifiers: Orphanet 79324, MedGen C2931001, MONDO:0011783, OMIM 607143.

Allele frequency attached by ClinVar (database versions not stated): ExAC 0.00001; TOPMed 0.00001; gnomAD 0.00002.

Submission:

Labcorp Genetics (formerly Invitae), Labcorp
Classification: Uncertain significance for ALG12-congenital disorder of glycosylation. Last evaluated: 2023-03-27. Review status: criteria provided, single submitter. Criteria: Invitae Variant Classification Sherloc (09022015). Collection method: clinical testing. Allele origin: germline.
Comment: In summary, the available evidence is currently insufficient to determine the role of this variant in disease. Therefore, it has been classified as a Variant of Uncertain Significance. Advanced modeling of protein sequence and biophysical properties (such as structural, functional, and spatial information, amino acid conservation, physicochemical variation, residue mobility, and thermodynamic stability) performed at Invitae indicates that this missense variant is not expected to disrupt ALG12 protein function. This variant has not been reported in the literature in individuals affected with ALG12-related conditions. This variant is present in population databases (rs760024890, gnomAD 0.008%). This sequence change replaces lysine, which is basic and polar, with asparagine, which is neutral and polar, at codon 336 of the ALG12 protein (p.Lys336Asn).

NM_024105.4(ALG12):c.1008A>C (p.Lys336Asn)

Gene: ALG12 (ALG12 alpha-1,6-mannosyltransferase; minus strand). Cytogenetic location: 22q13.33.
Variant type: single nucleotide variant.
Coding change: c.1008A>C on transcript NM_024105.4 (MANE Select); coding-DNA position 1008, A replaced by C.
Protein change: p.Lys336Asn; replaces lysine 336 with asparagine.
Molecular consequence: missense variant.
Genome position (GRCh38, 1-based): chr22:49,904,491, T>G on the plus strand (A>C on the coding strand, the complement: ALG12 is on the minus strand). VCF-style: chr22-49904491-T-G. GRCh37 (hg19) VCF-style: chr22-50298139-T-G.
Other names: short protein forms K336N.
Identifiers: ClinVar variation 2803995 (VCV002803995.3), dbSNP rs760024890, ClinGen allele CA10300365.